The following is an entry in ClinVar:

ClinVar aggregate classification (germline): Pathogenic (1 of 4 stars; one submission).

Submission:

GeneDx
Classification: Pathogenic. Last evaluated: 2025-06-30. Review status: criteria provided, single submitter. Criteria: GeneDx Variant Classification Process June 2021. Collection method: clinical testing. Allele origin: germline. Affected: yes.
Comment: Reported with a second variant on the opposite allele (in trans) in a patient with bilateral renal cysts in published literature (PMID: 35368817); Canonical splice site variant predicted to result in a null allele in a gene for which loss of function is a known mechanism of disease; Not observed at significant frequency in large population cohorts (gnomAD); This variant is associated with the following publications: (PMID: 35368817)

NM_001009944.3(PKD1):c.8948+1G>T

Gene: PKD1 (polycystin 1, transient receptor potential channel interacting; minus strand). Cytogenetic location: 16p13.3.
Variant type: single nucleotide variant.
Coding change: c.8948+1G>T on transcript NM_001009944.3 (MANE Select); the canonical splice donor site of the intron after coding-DNA position 8948, G replaced by T.
Molecular consequence: splice donor variant.
Genome position (GRCh38, 1-based): chr16:2,102,813, C>A on the plus strand (G>T on the coding strand, the complement: PKD1 is on the minus strand). VCF-style: chr16-2102813-C-A. GRCh37 (hg19) VCF-style: chr16-2152814-C-A.
Other names: c.8948+1G>T (NM_000296.4).
Identifiers: ClinVar variation 4680904 (VCV004680904.1).